The following is an entry in ClinVar:

ClinVar aggregate classification (germline): Uncertain significance (1 of 4 stars; one submission).

Conditions:
Propionic acidemia (PROP). Also called: GLYCINEMIA, KETOTIC; HYPERGLYCINEMIA WITH KETOACIDOSIS AND LEUKOPENIA; KETOTIC HYPERGLYCINEMIA. Identifiers: Orphanet 35, MedGen C0268579, MONDO:0011628, OMIM 606054, HP:0003571.

Submission:

3billion
Classification: Uncertain significance for Propionic acidemia. Last evaluated: 2025-03-26. Review status: criteria provided, single submitter. Criteria: ACMG Guidelines, 2015. Collection method: clinical testing. Allele origin: germline. Affected: yes.
Comment: The variant is not observed in the gnomAD v4.1.0 dataset. Predicted Consequence/Location: Missense variant. The majority of the known disease-causing variants of this gene are variants expected to result in premature termination of the protein. in silico tool predictions suggest damaging effect of the variant on gene or gene product [REVEL: 0.90 (>=0.6, sensitivity 0.68 and specificity 0.92); 3Cnet: 0.99 (> 0.75, sensitivity 0.96 and precision 0.92)]. Therefore, this variant is classified as VUS according to the recommendation of ACMG/AMP guideline.

NM_000282.4(PCCA):c.734C>T (p.Ser245Leu)

Gene: PCCA (propionyl-CoA carboxylase subunit alpha; plus strand). Cytogenetic location: 13q32.3.
Variant type: single nucleotide variant.
Coding change: c.734C>T on transcript NM_000282.4 (MANE Select); coding-DNA position 734, C replaced by T.
Protein change: p.Ser245Leu; replaces serine 245 with leucine.
Molecular consequence: missense variant. On other transcripts: non-coding transcript variant (5), 5 prime UTR variant (3).
Genome position (GRCh38, 1-based): chr13:100,262,746, C>T. VCF-style: chr13-100262746-C-T. GRCh37 (hg19) VCF-style: chr13-100915000-C-T.
Other names: c.656C>T, p.Ser219Leu (NM_001127692.3, NM_001352607.2, NM_001352608.2); c.734C>T, p.Ser245Leu (NM_001178004.2, NM_001352605.2, NM_001352606.2 and 1 more transcripts); c.-212C>T (NM_001352610.2, NM_001352611.2, NM_001352612.2); short protein forms S219L, S245L.
Identifiers: ClinVar variation 4291713 (VCV004291713.1).
Genomic context (GRCh38, chr13:100,262,746, plus strand): 5'-CTCCCTCTCCCCCCCTCCTCCTTCTTCCTTCTTTTTTTCACAGGGATGGTTTTAGATTGT[C>T]ATCTCAAGAAGCTGCTTCTAGTTTTGGCGATGATAGACTACTAATAGAAAAATTTATTGA-3'
Protein context (NP_000273.2, residues 235-255): DEETRDGFRL[Ser245Leu]SQEAASSFGD